The following is an entry in ClinVar:

NM_016011.5(MECR):c.830+2dup

Gene: MECR (mitochondrial trans-2-enoyl-CoA reductase; minus strand). Cytogenetic location: 1p35.3.
Variant type: Duplication.
Coding change: c.830+2dup on transcript NM_016011.5 (MANE Select); the canonical splice donor site of the intron after coding-DNA position 830, one base duplicated (T; older notation c.830+2dupT).
Molecular consequence: splice donor variant. On other transcripts: non-coding transcript variant (1).
Genome position (GRCh38, 1-based): chr1:29,200,514, A duplicated on the plus strand (T on the coding strand, the reverse complement: MECR is on the minus strand). VCF-style (leftmost placement, unchanged base first): chr1-29200513-T-TA. GRCh37 (hg19) VCF-style: chr1-29527025-T-TA.
Other names: c.680+2dup (NM_001349717.2); c.602+2dup (NM_001024732.4, NM_001349714.2, NM_001349712.2 and 2 more transcripts); c.914+2dup (NM_001349716.2); c.935+2dup (NM_001349715.2).
Identifiers: ClinVar variation 449055 (VCV000449055.18), dbSNP rs756421370, ClinGen allele CA725650.

ClinVar aggregate classification (germline): Pathogenic/Likely pathogenic. Review status: criteria provided, multiple submitters, no conflicts (2 of 4 stars). 9 submissions from 9 submitters: Pathogenic (4); Likely pathogenic (3). 2 of the submissions do not count toward it. Last evaluated 2026-01-20.

Conditions:
Childhood Onset Dystonias. Identifiers: MedGen C0752202.
Optic atrophy. Identifiers: MedGen C0029124, MONDO:0003608, HP:0000648.
MECR-related disorders.
Optic atrophy 16 (OPA16). Identifiers: MedGen C5882723, MONDO:0957978, OMIM 620629.
Dystonia, childhood-onset, with optic atrophy and basal ganglia abnormalities (DYTOABG). Also called: DYSTONIA 29, CHILDHOOD-ONSET; MECR-Related Neurologic Disorder. Identifiers: Orphanet 508093, MedGen C4310634, MONDO:0015003, OMIM 617282.
Mitochondrial disease. Also called: Mitochondrial disorder; Mitochondrial disorders. Identifiers: Orphanet 68380, MedGen C0751651, MeSH D028361, MONDO:0044970.

Allele frequency attached by ClinVar (database versions not stated): gnomAD 0.00006; gnomAD exomes 0.00007 and 0.00014; ExAC 0.00008; TOPMed 0.00008.

Submissions (9):

Labcorp Genetics (formerly Invitae), Labcorp
Classification: Pathogenic. Last evaluated: 2026-01-20. Review status: criteria provided, single submitter. Criteria: Invitae Variant Classification Sherloc (09022015). Collection method: clinical testing. Allele origin: germline.
Comment: This sequence change falls in intron 7 of the MECR gene. It does not directly change the encoded amino acid sequence of the MECR protein. RNA analysis indicates that this variant induces altered splicing and likely disrupts the C-terminus of the protein. This variant is present in population databases (rs756421370, gnomAD 0.3%). This variant has been observed in individual(s) with MECR-related conditions (PMID: 27817865, 32445240). It has also been observed to segregate with disease in related individuals. This variant is also known as c.830+2insT, c.830+2_830+3insT, IVS7+2dupT. ClinVar contains an entry for this variant (Variation ID: 449055). Algorithms developed to predict the effect of variants on gene product structure and function are not available or were not evaluated for this variant. Experimental studies have shown that this variant affects MECR function (PMID: 27817865). Variants that disrupt the consensus splice site are a relatively common cause of aberrant splicing (PMID: 17576681, 9536098). Studies have shown that this variant results in exon 7 skipping and partial intron inclusion and introduces a new termination codon (PMID: 27817865). However the mRNA is not expected to undergo nonsense-mediated decay. For these reasons, this variant has been classified as Pathogenic.

GeneDx
Classification: Likely pathogenic. Last evaluated: 2025-11-12. Review status: criteria provided, single submitter. Criteria: GeneDx Variant Classification Process June 2021. Collection method: clinical testing. Allele origin: germline. Affected: yes.
Comment: Reported previously in siblings with delayed motor milestones, hypotonia, spasticity, ataxic gait, and progressive loss motor skills who also harbored a variant of uncertain significance (phase unknown) (PMID: 31160820); Intronic variant directly or indirectly altering the +5 splice site in a gene for which loss of function is a known mechanism of disease, and splice predictors support a deleterious effect; This variant is associated with the following publications: (PMID: 32445240, 34052969, 27817865, 36262091, 31160820, 37734847)

Fulgent Genetics
Classification: Pathogenic for Dystonia, childhood-onset, with optic atrophy and basal ganglia abnormalities; Optic atrophy 16. Last evaluated: 2024-03-29. Review status: criteria provided, single submitter. Criteria: ACMG Guidelines, 2015. Collection method: clinical testing. Allele origin: germline.

Department of Pathology and Laboratory Medicine, Sinai Health System
Classification: Pathogenic for Optic atrophy 16; Dystonia, childhood-onset, with optic atrophy and basal ganglia abnormalities. Last evaluated: 2023-03-20. Review status: criteria provided, single submitter. Criteria: ACMG Guidelines, 2015. Collection method: research. Allele origin: germline.

Illumina Laboratory Services, Illumina
Classification: Likely pathogenic for Mitochondrial disease. Last evaluated: 2023-03-03. Review status: criteria provided, single submitter. Criteria: ICSLVariantClassificationCriteria RUGD 01 April 2020. Collection method: clinical testing. Allele origin: unknown.
Comment: The MECR c.830+2dup variant occurs in a splice region and results in the duplication of a thymine following the consensus splice donor site. This variant has been reported in a compound heterozygous state with the c.695G>A (p.Gly232Glu) variant in four individuals with features of primary mitochondrial disease from three families, at least two of whom had Jewish ancestry (PMID: 27817865; PMID: 32445240; PMID: 34052969). Fibroblasts from compound heterozygous individuals showed reduced MECR protein expression and reduced protein lipoylation. Reduced electron transport capacity was also observed in cells from some individuals (PMID: 27817865). The c.830+2dup variant has also been reported in trans with a 5'UTR variant in an additional affected sibling pair (PMID: 31160820). The highest frequency of this allele in the Genome Aggregation Database is 0.003086 in the Ashkenazi Jewish population (version 2.1.1). This frequency is consistent with the increased prevalence of MECR-related primary mitochondrial disease among individuals with Ashkenazi Jewish ancestry (PMID: 31070877). cDNA studies using RNA from patient cells have demonstrated that the c.830+2dup variant disrupts splicing, producing two mutant transcripts: one in which exon 7 is skipped and one with partial retention of intron 8 that results in the addition of 108 bp to the mRNA sequence (PMID: 27817865). These missplicing events would be expected to disrupt the catalytic domain and part of the cofactor binding domain. This variant was identified in a compound heterozygous state with the c.695G>A (p.Gly232Glu) variant and segregated with disease. Based on the available evidence, the c.830+2dup variant is classified as likely pathogenic for primary mitochondrial disease.

Blueprint Genetics
Classification: Likely pathogenic for MECR-related disorders. Last evaluated: 2021-01-20. Review status: criteria provided, single submitter. Criteria: ACMG Guidelines, 2015. Collection method: clinical testing. Allele origin: germline. Affected: yes. Observed: 2 variant alleles.

Undiagnosed Diseases Network, NIH
Classification: Pathogenic for Dystonia, childhood-onset, with optic atrophy and basal ganglia abnormalities. Last evaluated: 2018-01-16. Review status: criteria provided, single submitter. Criteria: ACMG Guidelines, 2015. Collection method: clinical testing. Allele origin: maternal. Inheritance: Autosomal recessive inheritance. Affected: yes. Observed: 2 variant alleles, 2 compound heterozygotes. Clinical features observed: Global developmental delay (HP:0001263), Gait ataxia (HP:0002066), Focal T2 hyperintense basal ganglia lesion (HP:0007183), Delayed gross motor development (HP:0002194), Cerebral palsy (HP:0100021). Study: Undiagnosed Diseases Network (NIH), UDN.
Comment: The c.830+2dupT variant disrupts the splice donor consensus and has previously been reported as disease causing [PMID 27817865]. The c.-39G>C variant lies in the 5'UTR and has never been published to our knowledge. It is absent from large control databases.

OMIM
Classification: Pathogenic for DYSTONIA, CHILDHOOD-ONSET, WITH OPTIC ATROPHY AND BASAL GANGLIA ABNORMALITIES. Last evaluated: 2024-01-08. Review status: no assertion criteria provided. Collection method: literature only. Allele origin: germline. Not counted in ClinVar's aggregate classification.

University of Washington Center for Mendelian Genomics, University of Washington
Classification: Likely pathogenic for Childhood Onset Dystonias; Optic atrophy. Last evaluated: 2016-12-01. Review status: no assertion criteria provided. Collection method: research. Allele origin: unknown. Affected: yes. Observed: 3 variant alleles. Not counted in ClinVar's aggregate classification.

Literature cited by the submitters: PubMed 27817865 (cited by 4 submitters); PubMed 32445240 (cited by Labcorp Genetics (formerly Invitae), Labcorp and Illumina Laboratory Services, Illumina); PubMed 17576681 (cited by Labcorp Genetics (formerly Invitae), Labcorp); PubMed 9536098 (cited by Labcorp Genetics (formerly Invitae), Labcorp); PubMed 34052969 (cited by Illumina Laboratory Services, Illumina); PubMed 31160820 (cited by Illumina Laboratory Services, Illumina); PubMed 31070877 (cited by Illumina Laboratory Services, Illumina).